The following is an entry in ClinVar:

NC_000005.9:g.(?_112111316)_(112170882_?)dup

Gene: APC (APC regulator of Wnt signaling pathway; plus strand). Cytogenetic location: 5q22.2.
Variant type: Duplication.
Identifiers: ClinVar variation 2422178 (VCV002422178.4).

ClinVar aggregate classification (germline): Uncertain significance (1 of 4 stars; one submission).

Conditions:
Familial adenomatous polyposis 1 (FAP1). Also called: FAMILIAL ADENOMATOUS POLYPOSIS 1, ATTENUATED; POLYPOSIS, ADENOMATOUS INTESTINAL. Identifiers: MedGen C2713442, MONDO:0021056, OMIM 175100. Disease mechanism: loss of function.

Submission:

Labcorp Genetics (formerly Invitae), Labcorp
Classification: Uncertain significance for Familial adenomatous polyposis 1. Last evaluated: 2022-03-01. Review status: criteria provided, single submitter. Criteria: Invitae Variant Classification Sherloc (09022015). Collection method: clinical testing. Allele origin: germline.
Comment: This variant results in a copy number gain of the genomic region encompassing exon(s) 5-15 of the APC gene. While the exact position of this variant cannot be determined from the data, sub-genic copy number gains are generally in tandem (PMID: 25640679). This variant is predicted to be in-frame, and likely preserves the integrity of the reading frame. In summary, the available evidence is currently insufficient to determine the role of this variant in disease. Therefore, it has been classified as a Variant of Uncertain Significance. Experimental studies and prediction algorithms are not available or were not evaluated, and the functional significance of this variant is currently unknown. This variant has not been reported in the literature in individuals affected with APC-related conditions.

Literature cited by the submitters: PubMed 25640679.